The following is an entry in ClinVar:

NM_201548.5(CERKL):c.1133+2del

Gene: CERKL (CERK like autophagy regulator; minus strand). Cytogenetic location: 2q31.3.
Variant type: Deletion.
Coding change: c.1133+2del on transcript NM_201548.5 (MANE Select); the canonical splice donor site of the intron after coding-DNA position 1133, one base deleted (T; older notation c.1133+2delT).
Molecular consequence: splice donor variant.
Genome position (GRCh38, 1-based): chr2:181,548,543, A deleted on the plus strand (T on the coding strand, the reverse complement: CERKL is on the minus strand). VCF-style (leftmost placement, unchanged base first): chr2-181548542-TA-T. GRCh37 (hg19) VCF-style: chr2-182413269-TA-T.
Other names: c.1211+2del (NM_001030311.3, NM_001030311.2); c.1079+2del (NM_001160277.2); c.926+2del (NM_001030313.3); c.794+2del (NM_001030312.3).
Identifiers: ClinVar variation 1474034 (VCV001474034.8), dbSNP rs1157880126, ClinGen allele CA538438854.
Genomic context (GRCh38, chr2:181,548,542, plus strand): 5'-TTGTCAGAATGTTTTATGCTTTAAAGATACAGGTTATCTGTATTACATTGAGTTTTTACC[TA>T]CCTTTCTTGCACATCATCAGAGCTGTTAAATGGTAAAAATGATATTTCACAGTCTTCTGC-3'

ClinVar aggregate classification (germline): Conflicting classifications of pathogenicity. Review status: criteria provided, conflicting classifications (1 of 4 stars). 3 submissions from 3 submitters: Likely pathogenic (2); Uncertain significance (1). Last evaluated 2026-06-01.

Conditions:
Retinitis pigmentosa 26 (RP26). Identifiers: Orphanet 791, MedGen C1842127, MONDO:0012024, OMIM 608380.

Allele frequency attached by ClinVar (database versions not stated): gnomAD exomes below 0.00001; TOPMed 0.00001.

Submissions (3):

Myriad Genetics, Inc.
Classification: Uncertain significance for Retinitis pigmentosa 26. Last evaluated: 2026-06-01. Review status: criteria provided, single submitter. Criteria: Myriad Autosomal Dominant, Autosomal Recessive and X-Linked Classification Criteria (2023). Collection method: clinical testing. Allele origin: unknown.
Comment: NM_001030311.2(CERKL):c.1211+2delT is a variant in a canonical splice site classified as a variant of uncertain significance in the context of retinitis pigmentosa, CERKL-related. c.1211+2delT has not been observed in cases with relevant disease. Relevant functional assessments of this variant are not available in the literature. c.1211+2delT has been observed in referenced population frequency databases. In summary, there is insufficient evidence to classify NM_001030311.2(CERKL):c.1211+2delT as pathogenic or benign. Please note: this variant was assessed in the context of healthy population screening.

Fulgent Genetics
Classification: Likely pathogenic for Retinitis pigmentosa 26. Last evaluated: 2024-03-05. Review status: criteria provided, single submitter. Criteria: ACMG Guidelines, 2015. Collection method: clinical testing. Allele origin: germline.

Labcorp Genetics (formerly Invitae), Labcorp
Classification: Likely pathogenic. Last evaluated: 2021-11-15. Review status: criteria provided, single submitter. Criteria: Invitae Variant Classification Sherloc (09022015). Collection method: clinical testing. Allele origin: germline.
Comment: In summary, the currently available evidence indicates that the variant is pathogenic, but additional data are needed to prove that conclusively. Therefore, this variant has been classified as Likely Pathogenic. Algorithms developed to predict the effect of sequence changes on RNA splicing suggest that this variant may disrupt the consensus splice site. This variant has not been reported in the literature in individuals affected with CERKL-related conditions. The frequency data for this variant in the population databases is considered unreliable, as metrics indicate poor data quality at this position in the gnomAD database. This sequence change affects a splice site in intron 9 of the CERKL gene. It is expected to disrupt RNA splicing. Variants that disrupt the donor or acceptor splice site typically lead to a loss of protein function (PMID: 16199547), and loss-of-function variants in CERKL are known to be pathogenic (PMID: 14681825, 24043777).

Literature cited by the submitters: PubMed 16199547 (cited by Labcorp Genetics (formerly Invitae), Labcorp); PubMed 14681825 (cited by Labcorp Genetics (formerly Invitae), Labcorp); PubMed 24043777 (cited by Labcorp Genetics (formerly Invitae), Labcorp).